The following is an entry in ClinVar:

NM_000836.4(GRIN2D):c.872C>G (p.Pro291Arg)

Gene: GRIN2D (glutamate ionotropic receptor NMDA type subunit 2D; plus strand). Cytogenetic location: 19q13.33.
Variant type: single nucleotide variant.
Coding change: c.872C>G on transcript NM_000836.4 (MANE Select); coding-DNA position 872, C replaced by G.
Protein change: p.Pro291Arg; replaces proline 291 with arginine.
Molecular consequence: missense variant.
Genome position (GRCh38, 1-based): chr19:48,405,140, C>G. VCF-style: chr19-48405140-C-G. GRCh37 (hg19) VCF-style: chr19-48908397-C-G.
Other names: short protein forms P291R.
Identifiers: ClinVar variation 2145561 (VCV002145561.4), dbSNP rs761842024, ClinGen allele CA9550402.

ClinVar aggregate classification (germline): Uncertain significance (1 of 4 stars; one submission).

Allele frequency attached by ClinVar (database versions not stated): TOPMed below 0.00001; ExAC 0.00003.

Submission:

Labcorp Genetics (formerly Invitae), Labcorp
Classification: Uncertain significance. Last evaluated: 2023-08-10. Review status: criteria provided, single submitter. Criteria: Invitae Variant Classification Sherloc (09022015). Collection method: clinical testing. Allele origin: germline.
Comment: This sequence change replaces proline, which is neutral and non-polar, with arginine, which is basic and polar, at codon 291 of the GRIN2D protein (p.Pro291Arg). This variant is present in population databases (rs761842024, gnomAD 0.02%). This missense change has been observed in individual(s) with clinical features of developmental and epileptic encephalopathy (Invitae). ClinVar contains an entry for this variant (Variation ID: 2145561). Advanced modeling of protein sequence and biophysical properties (such as structural, functional, and spatial information, amino acid conservation, physicochemical variation, residue mobility, and thermodynamic stability) performed at Invitae indicates that this missense variant is not expected to disrupt GRIN2D protein function. In summary, the available evidence is currently insufficient to determine the role of this variant in disease. Therefore, it has been classified as a Variant of Uncertain Significance.